The following is an entry in ClinVar:

ClinVar aggregate classification (germline): Uncertain significance (1 of 4 stars; one submission).

Submission:

CeGaT Center for Human Genetics Tuebingen
Classification: Uncertain significance. Last evaluated: 2022-03-01. Review status: criteria provided, single submitter. Criteria: CeGaT Center For Human Genetics Tuebingen Variant Classification Criteria Version 2. Collection method: clinical testing. Allele origin: germline. Affected: yes. Observed: 1 variant allele.
Comment: SEC24D: PM2, BP4

NM_014822.4(SEC24D):c.1438A>G (p.Thr480Ala)

Gene: SEC24D (SEC24 homolog D, COPII component; minus strand). Cytogenetic location: 4q26.
Variant type: single nucleotide variant.
Coding change: c.1438A>G on transcript NM_014822.4 (MANE Select); coding-DNA position 1438, A replaced by G.
Protein change: p.Thr480Ala; replaces threonine 480 with alanine.
Molecular consequence: missense variant.
Genome position (GRCh38, 1-based): chr4:118,752,872, T>C on the plus strand (A>G on the coding strand, the complement: SEC24D is on the minus strand). VCF-style: chr4-118752872-T-C. GRCh37 (hg19) VCF-style: chr4-119674027-T-C.
Other names: c.1441A>G, p.Thr481Ala (NM_001318066.2); short protein forms T480A, T481A.
Identifiers: ClinVar variation 1675957 (VCV001675957.33), dbSNP rs2110457427, ClinGen allele CA358011289.